The following is an entry in ClinVar:

NM_000264.5(PTCH1):c.2902C>G (p.Pro968Ala)

Gene: PTCH1 (patched 1; minus strand). Cytogenetic location: 9q22.32.
Variant type: single nucleotide variant.
Coding change: c.2902C>G on transcript NM_000264.5 (MANE Select); coding-DNA position 2902, C replaced by G.
Protein change: p.Pro968Ala; replaces proline 968 with alanine.
Molecular consequence: missense variant. On other transcripts: non-coding transcript variant (1).
Genome position (GRCh38, 1-based): chr9:95,458,279, G>C on the plus strand (C>G on the coding strand, the complement: PTCH1 is on the minus strand). VCF-style: chr9-95458279-G-C. GRCh37 (hg19) VCF-style: chr9-98220561-G-C.
Other names: c.2704C>G, p.Pro902Ala (NM_001083602.3); c.2899C>G, p.Pro967Ala (NM_001083603.3); c.2449C>G, p.Pro817Ala (NM_001083604.3, NM_001083605.3, NM_001083606.3 and 1 more transcripts); c.2746C>G, p.Pro916Ala (NM_001354918.2); short protein forms P916A, P967A, P817A, P902A, P968A.
Identifiers: ClinVar variation 3311112 (VCV003311112.2).

ClinVar aggregate classification (germline): Uncertain significance. Review status: criteria provided, multiple submitters, no conflicts (2 of 4 stars). 2 submissions from 2 submitters: Uncertain significance (2). Last evaluated 2024-04-27.

Conditions:
Hereditary cancer-predisposing syndrome. Also called: Neoplastic Syndromes, Hereditary; Tumor predisposition; Hereditary neoplastic syndrome; Hereditary Cancer Syndrome. Identifiers: Orphanet 140162, MedGen C0027672, MeSH D009386, MONDO:0015356.

gnomAD v4.1: 2 of 1,613,738 alleles (0.00012%); highest among the groups gnomAD compares: Non-Finnish European, 0.00017%; no homozygotes.

Submissions (2):

Ambry Genetics
Classification: Uncertain significance for Hereditary cancer-predisposing syndrome. Last evaluated: 2024-04-27. Review status: criteria provided, single submitter. Criteria: Ambry Variant Classification Scheme 2023. Collection method: clinical testing. Allele origin: germline.
Comment: The p.P968A variant (also known as c.2902C>G), located in coding exon 18 of the PTCH1 gene, results from a C to G substitution at nucleotide position 2902. The proline at codon 968 is replaced by alanine, an amino acid with highly similar properties. This amino acid position is conserved. In addition, this alteration is predicted to be deleterious by in silico analysis. Based on the available evidence, the clinical significance of this variant remains unclear.

GeneDx
Classification: Uncertain significance. Last evaluated: 2023-12-28. Review status: criteria provided, single submitter. Criteria: GeneDx Variant Classification Process June 2021. Collection method: clinical testing. Allele origin: germline. Affected: yes.
Comment: Not observed at significant frequency in large population cohorts (gnomAD); In silico analysis supports that this missense variant has a deleterious effect on protein structure/function; Has not been previously published as pathogenic or benign to our knowledge; This variant is associated with the following publications: (PMID: 8906794)